The following is an entry in ClinVar:

ClinVar aggregate classification (germline): Uncertain significance. Review status: criteria provided, multiple submitters, no conflicts (2 of 4 stars). 2 submissions from 2 submitters: Uncertain significance (2). Last evaluated 2025-03-04.

Conditions:
Hereditary cancer-predisposing syndrome. Also called: Neoplastic Syndromes, Hereditary; Tumor predisposition; Hereditary Cancer Syndrome; Hereditary neoplastic syndrome. Identifiers: Orphanet 140162, MedGen C0027672, MeSH D009386, MONDO:0015356.
Familial adenomatous polyposis 1 (FAP1). Also called: FAMILIAL ADENOMATOUS POLYPOSIS 1, ATTENUATED; POLYPOSIS, ADENOMATOUS INTESTINAL. Identifiers: MedGen C2713442, MONDO:0021056, OMIM 175100. Disease mechanism: loss of function.

Allele frequency attached by ClinVar (database versions not stated): gnomAD 0.00001.
gnomAD v4.1: 1 of 1,613,758 alleles (0.000062%); no homozygotes.

Submissions (2):

Labcorp Genetics (formerly Invitae), Labcorp
Classification: Uncertain significance for Familial adenomatous polyposis 1. Last evaluated: 2025-03-04. Review status: criteria provided, single submitter. Criteria: Invitae Variant Classification Sherloc (09022015). Collection method: clinical testing. Allele origin: germline.
Comment: This sequence change replaces proline, which is neutral and non-polar, with alanine, which is neutral and non-polar, at codon 2482 of the APC protein (p.Pro2482Ala). This variant is not present in population databases (gnomAD no frequency). This variant has not been reported in the literature in individuals affected with APC-related conditions. ClinVar contains an entry for this variant (Variation ID: 187181). Invitae Evidence Modeling of protein sequence and biophysical properties (such as structural, functional, and spatial information, amino acid conservation, physicochemical variation, residue mobility, and thermodynamic stability) indicates that this missense variant is not expected to disrupt APC protein function with a negative predictive value of 95%. In summary, the available evidence is currently insufficient to determine the role of this variant in disease. Therefore, it has been classified as a Variant of Uncertain Significance.

Ambry Genetics
Classification: Uncertain significance for Hereditary cancer-predisposing syndrome. Last evaluated: 2023-08-09. Review status: criteria provided, single submitter. Criteria: Ambry Variant Classification Scheme 2023. Collection method: clinical testing. Allele origin: germline.
Comment: The p.P2482A variant (also known as c.7444C>G), located in coding exon 15 of the APC gene, results from a C to G substitution at nucleotide position 7444. The proline at codon 2482 is replaced by alanine, an amino acid with highly similar properties. This amino acid position is highly conserved in available vertebrate species. In addition, in silico predictors for this gene do not accurately predict pathogenicity. Since supporting evidence is limited at this time, the clinical significance of this alteration remains unclear.

NM_000038.6(APC):c.7444C>G (p.Pro2482Ala)

Gene: APC (APC regulator of Wnt signaling pathway; plus strand). Cytogenetic location: 5q22.2.
Variant type: single nucleotide variant.
Coding change: c.7444C>G on transcript NM_000038.6 (MANE Select); coding-DNA position 7444, C replaced by G.
Protein change: p.Pro2482Ala; replaces proline 2482 with alanine.
Molecular consequence: missense variant.
Genome position (GRCh38, 1-based): chr5:112,843,038, C>G. VCF-style: chr5-112843038-C-G. GRCh37 (hg19) VCF-style: chr5-112178735-C-G.
Other names: c.7444C>G, p.Pro2482Ala (NM_001127510.3, NM_001354895.2); c.7390C>G, p.Pro2464Ala (NM_001127511.3); c.7498C>G, p.Pro2500Ala (NM_001354896.2); c.7474C>G, p.Pro2492Ala (NM_001354897.2); c.7369C>G, p.Pro2457Ala (NM_001354898.2); c.7360C>G, p.Pro2454Ala (NM_001354899.2); c.7321C>G, p.Pro2441Ala (NM_001354900.2); c.7267C>G, p.Pro2423Ala (NM_001354901.2); and 5 more; short protein forms P2464A, P2482A, P2356A, P2441A, P2492A, P2500A, P2199A, P2322A.
Identifiers: ClinVar variation 187181 (VCV000187181.9), dbSNP rs786203532, ClinGen allele CA013688.